The following is an entry in ClinVar:

NM_001378615.1(CC2D2A):c.157G>A (p.Glu53Lys)

Genes: CC2D2A (coiled-coil and C2 domain containing 2A; plus strand), FBXL5 (F-box and leucine rich repeat protein 5; minus strand). Cytogenetic location: 4p15.32.
Variant type: single nucleotide variant.
Coding change: c.157G>A on transcript NM_001378615.1 (MANE Select); coding-DNA position 157, G replaced by A.
Protein change: p.Glu53Lys; replaces glutamic acid 53 with lysine.
Molecular consequence: missense variant.
Genome position (GRCh38, 1-based): chr4:15,480,737, G>A. VCF-style: chr4-15480737-G-A. GRCh37 (hg19) VCF-style: chr4-15482361-G-A.
Other names: c.157G>A, p.Glu53Lys (NM_001080522.2, NM_001164720.3); c.10G>A, p.Glu4Lys (NM_001378617.1); c.263G>A, p.Arg88Gln (NM_020785.2); short protein forms R88Q, E53K, E4K.
Identifiers: ClinVar variation 279737 (VCV000279737.14), dbSNP rs373080748, ClinGen allele CA2863295.

ClinVar aggregate classification (germline): Uncertain significance. Review status: criteria provided, multiple submitters, no conflicts (2 of 4 stars). 4 submissions from 4 submitters: Uncertain significance (4). Last evaluated 2024-03-06.

Conditions:
Joubert syndrome 9 (JBTS9). Identifiers: Orphanet 2318, MedGen C2676788, MONDO:0012849, OMIM 612285.
COACH syndrome 2. Identifiers: MedGen C5436837, MONDO:0030859, OMIM 619111.
Meckel syndrome, type 6. Identifiers: Orphanet 564, MedGen C2676790, MONDO:0012848, OMIM 612284.
Retinitis pigmentosa 93. Identifiers: MedGen C5676970, MONDO:0030797, OMIM 619845.
Inborn genetic diseases. Identifiers: MedGen C0950123, MeSH D030342.
Joubert syndrome. Also called: Familial aplasia of the vermis; JOUBERT-BOLTSHAUSER SYNDROME. Identifiers: Orphanet 475, MedGen C5979921, MONDO:0018772.
Meckel-Gruber syndrome. Also called: Dysencephalia splachnocystica; DYSENCEPHALIA SPLANCHNOCYSTICA; GRUBER SYNDROME. Identifiers: Orphanet 564, MedGen C0265215, MONDO:0018921.

Allele frequency attached by ClinVar (database versions not stated): gnomAD 0.00005; gnomAD exomes 0.00005 and 0.00006; TOPMed 0.00006; ExAC 0.00007; ESP Exome Variant Server 0.00008; 1000 Genomes Project 30x 0.00016; 1000 Genomes Project 0.00020.
gnomAD v4.1: 73 of 1,611,742 alleles (0.0045%); highest among the groups gnomAD compares: East Asian, 0.013%; no homozygotes.

Submissions (4):

Fulgent Genetics
Classification: Uncertain significance for Meckel syndrome, type 6; Joubert syndrome 9; COACH syndrome 2; Retinitis pigmentosa 93. Last evaluated: 2024-03-06. Review status: criteria provided, single submitter. Criteria: ACMG Guidelines, 2015. Collection method: clinical testing. Allele origin: germline.

Ambry Genetics
Classification: Uncertain significance for Inborn genetic diseases. Last evaluated: 2022-10-26. Review status: criteria provided, single submitter. Criteria: Ambry Variant Classification Scheme 2023. Collection method: clinical testing. Allele origin: germline.

Labcorp Genetics (formerly Invitae), Labcorp
Classification: Uncertain significance for Joubert syndrome; Meckel-Gruber syndrome. Last evaluated: 2022-08-15. Review status: criteria provided, single submitter. Criteria: Invitae Variant Classification Sherloc (09022015). Collection method: clinical testing. Allele origin: germline.
Comment: This sequence change replaces glutamic acid, which is acidic and polar, with lysine, which is basic and polar, at codon 53 of the CC2D2A protein (p.Glu53Lys). This variant is present in population databases (rs373080748, gnomAD 0.01%). This variant has not been reported in the literature in individuals affected with CC2D2A-related conditions. ClinVar contains an entry for this variant (Variation ID: 279737). Advanced modeling of protein sequence and biophysical properties (such as structural, functional, and spatial information, amino acid conservation, physicochemical variation, residue mobility, and thermodynamic stability) performed at Invitae indicates that this missense variant is not expected to disrupt CC2D2A protein function. In summary, the available evidence is currently insufficient to determine the role of this variant in disease. Therefore, it has been classified as a Variant of Uncertain Significance.

GeneDx
Classification: Uncertain significance. Last evaluated: 2016-04-12. Review status: criteria provided, single submitter. Criteria: GeneDx Variant Classification (06012015). Collection method: clinical testing. Allele origin: germline. Affected: yes.
Comment: The E53K variant in the CC2D2A gene has not been published as a pathogenic variant, nor has it been reported as a benign polymorphism to our knowledge. The E53K variant was not observed with any significant frequency in approximately 6000 individuals of European and African American ancestry in the NHLBI Exome Sequencing Project, indicating it is not a common benign variant in these population. The E53K variant is a non-conservative amino acid substitution which is likely to impact secondary protein structure as these residues differ in polarity, charge, size and/or other properties. This substitution occurs at a position that is not conserved across species. In silico analysis predicts this variant likely does not alter the protein structure/function. We interpret E53K as a variant of unknown significance.